The following is an entry in ClinVar:

NM_001112732.3(MCF2L):c.1244C>T (p.Ala415Val)

Gene: MCF2L (MCF.2 cell line derived transforming sequence like; plus strand). Cytogenetic location: 13q34.
Variant type: single nucleotide variant.
Coding change: c.1244C>T on transcript NM_001112732.3 (MANE Select); coding-DNA position 1244, C replaced by T.
Protein change: p.Ala415Val; replaces alanine 415 with valine.
Molecular consequence: missense variant.
Genome position (GRCh38, 1-based): chr13:113,075,125, C>T. VCF-style: chr13-113075125-C-T. GRCh37 (hg19) VCF-style: chr13-113729439-C-T.
Other names: c.1238C>T, p.Ala413Val (NM_001320815.2, NM_001320817.2, NM_024979.5); c.1256C>T, p.Ala419Val (NM_001320816.2); c.1157C>T, p.Ala386Val (NM_001366644.2); c.1130C>T, p.Ala377Val (NM_001366645.2, NM_001366646.2); short protein forms A377V, A386V, A413V, A415V, A419V.
Identifiers: ClinVar variation 2672551 (VCV002672551.23), dbSNP rs142444839, ClinGen allele CA7058758.

ClinVar aggregate classification (germline): Likely benign (1 of 4 stars; one submission).

Allele frequency attached by ClinVar (database versions not stated): 1000 Genomes Project 30x 0.00078; 1000 Genomes Project 0.00080; ESP Exome Variant Server 0.00100; ExAC 0.00110; TOPMed 0.00112; gnomAD exomes 0.00240.
gnomAD v4.1: 3,625 of 1,613,194 alleles (0.22%); highest among the groups gnomAD compares: Middle Eastern, 0.3%; 6 homozygotes.

Submission:

CeGaT Center for Human Genetics Tuebingen
Classification: Likely benign. Last evaluated: 2023-10-01. Review status: criteria provided, single submitter. Criteria: CeGaT Center For Human Genetics Tuebingen Variant Classification Criteria Version 2. Collection method: clinical testing. Allele origin: germline. Affected: yes. Observed: 1 variant allele.
Comment: MCF2L: BP4